The following is an entry in ClinVar:

ClinVar aggregate classification (germline): Uncertain significance (1 of 4 stars; one submission).

Allele frequency attached by ClinVar (database versions not stated): TOPMed below 0.00001; gnomAD 0.00001 and 0.00002; gnomAD exomes 0.00002 and 0.00005; ExAC 0.00004; 1000 Genomes Project 0.00020; 1000 Genomes Project 30x 0.00031.
gnomAD v4.1: 30 of 1,612,660 alleles (0.0019%); highest among the groups gnomAD compares: South Asian, 0.032%; no homozygotes.

Submission:

Labcorp Genetics (formerly Invitae), Labcorp
Classification: Uncertain significance. Last evaluated: 2025-06-12. Review status: criteria provided, single submitter. Criteria: Invitae Variant Classification Sherloc (09022015). Collection method: clinical testing. Allele origin: germline.
Comment: This sequence change replaces glutamine, which is neutral and polar, with arginine, which is basic and polar, at codon 352 of the KANK2 protein (p.Gln352Arg). This variant is present in population databases (rs542262538, gnomAD 0.04%). This variant has not been reported in the literature in individuals affected with KANK2-related conditions. ClinVar contains an entry for this variant (Variation ID: 1370054). An algorithm developed to predict the effect of missense changes on protein structure and function (PolyPhen-2) suggests that this variant is likely to be disruptive. In summary, the available evidence is currently insufficient to determine the role of this variant in disease. Therefore, it has been classified as a Variant of Uncertain Significance.

NM_001136191.3(KANK2):c.1055A>G (p.Gln352Arg)

Gene: KANK2 (KN motif and ankyrin repeat domains 2; minus strand). Cytogenetic location: 19p13.2.
Variant type: single nucleotide variant.
Coding change: c.1055A>G on transcript NM_001136191.3 (MANE Select); coding-DNA position 1055, A replaced by G.
Protein change: p.Gln352Arg; replaces glutamine 352 with arginine.
Molecular consequence: missense variant.
Genome position (GRCh38, 1-based): chr19:11,193,025, T>C on the plus strand (A>G on the coding strand, the complement: KANK2 is on the minus strand). VCF-style: chr19-11193025-T-C. GRCh37 (hg19) VCF-style: chr19-11303701-T-C.
Other names: c.1055A>G, p.Gln352Arg (NM_001329451.2, NM_001379548.1, NM_001379549.1 and 15 more transcripts); short protein forms Q352R.
Identifiers: ClinVar variation 1370054 (VCV001370054.8), dbSNP rs542262538, ClinGen allele CA9205909.
Genomic context (GRCh38, chr19:11,193,025, plus strand): 5'-CTACCAGGCATTGCCAGGGCCCTCAGCCCTGTGCCGTAAGGCTCCAGGCTCTGGGCCCGC[T>C]GTGCGGGGGCGCCAGCGGCTGTGCTGGCCACCACCTCCACCTCCCGTGGCCCTTCTACCA-3'
Protein context (NP_001129663.1, residues 342-362): VASTAAGAPA[Gln352Arg]RAQSLEPYGT